The following is an entry in ClinVar:

ClinVar aggregate classification (germline): Conflicting classifications of pathogenicity. Review status: criteria provided, conflicting classifications (1 of 4 stars). 4 submissions from 4 submitters: Uncertain significance (3); Likely benign (1). Last evaluated 2024-07-18.

Conditions:
Hereditary cancer-predisposing syndrome. Also called: Neoplastic Syndromes, Hereditary; Tumor predisposition; Hereditary Cancer Syndrome; Hereditary neoplastic syndrome. Identifiers: Orphanet 140162, MedGen C0027672, MeSH D009386, MONDO:0015356.
Hereditary breast ovarian cancer syndrome. Also called: Hereditary breast and/or ovarian cancer syndrome; Hereditary breast and ovarian cancer syndrome; Hereditary breast and ovarian cancer; Hereditary breast and ovarian cancer syndrome (HBOC); Breast and ovarian cancer; BRCA1- and BRCA2-Associated Hereditary Breast and Ovarian Cancer. Identifiers: Orphanet 145, MedGen C0677776, MeSH D061325, MONDO:0003582. Disease mechanism: loss of function.
Breast-ovarian cancer, familial, susceptibility to, 2 (BROVCA2). Also called: BRCA2 Hereditary Breast and Ovarian Cancer. Identifiers: Orphanet 145, MedGen C2675520, MONDO:0012933, OMIM 612555. Disease mechanism: loss of function.

Allele frequency attached by ClinVar (database versions not stated): gnomAD exomes below 0.00001; ExAC 0.00001.
gnomAD v4.1: 1 of 1,613,432 alleles (0.000062%); highest among the groups gnomAD compares: Non-Finnish European, 0.000085%; no homozygotes.

Submissions (4):

Ambry Genetics
Classification: Uncertain significance for Hereditary cancer-predisposing syndrome. Last evaluated: 2024-07-18. Review status: criteria provided, single submitter. Criteria: Ambry Variant Classification Scheme 2023. Collection method: clinical testing. Allele origin: germline.
Comment: The p.F1546L variant (also known as c.4638T>A), located in coding exon 10 of the BRCA2 gene, results from a T to A substitution at nucleotide position 4638. The phenylalanine at codon 1546 is replaced by leucine, an amino acid with highly similar properties. This amino acid position is conserved. In addition, the in silico prediction for this alteration is inconclusive. Based on the available evidence, the clinical significance of this variant remains unclear.

All of Us Research Program, National Institutes of Health
Classification: Uncertain significance for Breast-ovarian cancer, familial, susceptibility to, 2. Last evaluated: 2023-12-18. Review status: criteria provided, single submitter. Criteria: ACMG Guidelines, 2015. Collection method: clinical testing. Allele origin: germline. Inheritance: Autosomal dominant inheritance. Observed: 1 variant allele, 1 heterozygote.
Comment: This missense variant replaces phenylalanine with leucine at codon 1546 of the BRCA2 protein. Computational prediction suggests that this variant may not impact protein structure and function (internally defined REVEL score threshold <= 0.5, PMID: 27666373). To our knowledge, functional studies have not been reported for this variant. This variant has not been reported in individuals affected with BRCA2-related disorders in the literature. This variant has been identified in 1/250118 chromosomes in the general population by the Genome Aggregation Database (gnomAD). The available evidence is insufficient to determine the role of this variant in disease conclusively. Therefore, this variant is classified as a Variant of Uncertain Significance.

This study involves interpretation of variants in research participants for the purpose of population health screening. Participant phenotype was not available at the time of variant classification. Additional details can be found in publication PMID: 35346344, PMCID: PMC8962531

University of Washington Department of Laboratory Medicine, University of Washington
Classification: Likely benign for Hereditary cancer-predisposing syndrome. Last evaluated: 2023-03-23. Review status: criteria provided, single submitter. Criteria: Dines et al. (Genet Med. 2020). Collection method: curation. Allele origin: germline.
Comment: Missense variant in a coldspot region where missense variants are very unlikely to be pathogenic (PMID:31911673).

BRCA2 exon 11 coldspot. Reclassification based on statistical prior probability.

Labcorp Genetics (formerly Invitae), Labcorp
Classification: Uncertain significance for Hereditary breast ovarian cancer syndrome. Last evaluated: 2020-06-07. Review status: criteria provided, single submitter. Criteria: Invitae Variant Classification Sherloc (09022015). Collection method: clinical testing. Allele origin: germline.
Comment: Algorithms developed to predict the effect of sequence changes on RNA splicing suggest that this variant may create or strengthen a splice site, but this prediction has not been confirmed by published transcriptional studies. In summary, the available evidence is currently insufficient to determine the role of this variant in disease. Therefore, it has been classified as a Variant of Uncertain Significance. Algorithms developed to predict the effect of missense changes on protein structure and function do not agree on the potential impact of this missense change (SIFT: "Tolerated"; PolyPhen-2: "Probably Damaging"; Align-GVGD: "Class C0"). This variant has not been reported in the literature in individuals with BRCA2-related disease. This variant is present in population databases (rs777505242, ExAC 0.002%). This sequence change replaces phenylalanine with leucine at codon 1546 of the BRCA2 protein (p.Phe1546Leu). The phenylalanine residue is highly conserved and there is a small physicochemical difference between phenylalanine and leucine.

NM_000059.4(BRCA2):c.4638T>A (p.Phe1546Leu)

Gene: BRCA2 (BRCA2 DNA repair associated; plus strand). Cytogenetic location: 13q13.1.
Variant type: single nucleotide variant.
Coding change: c.4638T>A on transcript NM_000059.4 (MANE Select); coding-DNA position 4638, T replaced by A.
Protein change: p.Phe1546Leu; replaces phenylalanine 1546 with leucine.
Molecular consequence: missense variant.
Genome position (GRCh38, 1-based): chr13:32,338,993, T>A. VCF-style: chr13-32338993-T-A. GRCh37 (hg19) VCF-style: chr13-32913130-T-A.
Other names: short protein forms F1546L.
Identifiers: ClinVar variation 566862 (VCV000566862.12), dbSNP rs777505242, ClinGen allele CA6940802.